The following is an entry in ClinVar:

ClinVar aggregate classification (germline): Uncertain significance. Review status: criteria provided, multiple submitters, no conflicts (2 of 4 stars). 2 submissions from 2 submitters: Uncertain significance (2). Last evaluated 2026-04-16.

Conditions:
Fanconi anemia (FA). Also called: Fanconi's anemia. Identifiers: Orphanet 84, MedGen C0015625, MeSH D005199, MONDO:0019391.
Inborn genetic diseases. Identifiers: MedGen C0950123, MeSH D030342.

gnomAD v4.1: 2 of 1,613,990 alleles (0.00012%); highest among the groups gnomAD compares: Non-Finnish European, 0.00017%; no homozygotes.

Submissions (2):

Ambry Genetics
Classification: Uncertain significance for Inborn genetic diseases. Last evaluated: 2026-04-16. Review status: criteria provided, single submitter. Criteria: Ambry Variant Classification Scheme 2023. Collection method: clinical testing. Allele origin: germline.
Comment: The p.S505C variant (also known as c.1514C>G), located in coding exon 16 of the FANCA gene, results from a C to G substitution at nucleotide position 1514. The serine at codon 505 is replaced by cysteine, an amino acid with dissimilar properties. This amino acid position is conserved. In addition, this alteration is predicted to be tolerated by in silico analysis. Based on the available evidence, the clinical significance of this variant remains unclear.

Labcorp Genetics (formerly Invitae), Labcorp
Classification: Uncertain significance for Fanconi anemia. Last evaluated: 2025-02-04. Review status: criteria provided, single submitter. Criteria: Invitae Variant Classification Sherloc (09022015). Collection method: clinical testing. Allele origin: germline.
Comment: This sequence change replaces serine, which is neutral and polar, with cysteine, which is neutral and slightly polar, at codon 505 of the FANCA protein (p.Ser505Cys). This variant is present in population databases (rs756532738, gnomAD 0.002%). This variant has not been reported in the literature in individuals affected with FANCA-related conditions. Invitae Evidence Modeling of protein sequence and biophysical properties (such as structural, functional, and spatial information, amino acid conservation, physicochemical variation, residue mobility, and thermodynamic stability) indicates that this missense variant is not expected to disrupt FANCA protein function with a negative predictive value of 95%. In summary, the available evidence is currently insufficient to determine the role of this variant in disease. Therefore, it has been classified as a Variant of Uncertain Significance.

NM_000135.4(FANCA):c.1514C>G (p.Ser505Cys)

Gene: FANCA (FA complementation group A; minus strand). Cytogenetic location: 16q24.3.
Variant type: single nucleotide variant.
Coding change: c.1514C>G on transcript NM_000135.4 (MANE Select); coding-DNA position 1514, C replaced by G.
Protein change: p.Ser505Cys; replaces serine 505 with cysteine.
Molecular consequence: missense variant.
Genome position (GRCh38, 1-based): chr16:89,783,059, G>C on the plus strand (C>G on the coding strand, the complement: FANCA is on the minus strand). VCF-style: chr16-89783059-G-C. GRCh37 (hg19) VCF-style: chr16-89849467-G-C.
Other names: c.1514C>G, p.Ser505Cys (NM_001286167.3); short protein forms S505C.
Identifiers: ClinVar variation 4734615 (VCV004734615.2).